The following is an entry in ClinVar:

NM_006929.5(SKIC2):c.313C>T (p.Gln105Ter)

Gene: SKIC2 (SKI2 subunit of superkiller complex; plus strand). Cytogenetic location: 6p21.33.
Variant type: single nucleotide variant.
Coding change: c.313C>T on transcript NM_006929.5 (MANE Select); coding-DNA position 313, C replaced by T.
Protein change: p.Gln105Ter; replaces glutamine 105 with a stop codon.
Molecular consequence: nonsense.
Genome position (GRCh38, 1-based): chr6:31,960,296, C>T. VCF-style: chr6-31960296-C-T. GRCh37 (hg19) VCF-style: chr6-31928073-C-T.
Other names: short protein forms Q105*.
Identifiers: ClinVar variation 3645313 (VCV003645313.2).

ClinVar aggregate classification (germline): Pathogenic (1 of 4 stars; one submission).

Submission:

Labcorp Genetics (formerly Invitae), Labcorp
Classification: Pathogenic. Last evaluated: 2024-03-10. Review status: criteria provided, single submitter. Criteria: Invitae Variant Classification Sherloc (09022015). Collection method: clinical testing. Allele origin: germline.
Comment: This sequence change creates a premature translational stop signal (p.Gln105*) in the SKIV2L gene. It is expected to result in an absent or disrupted protein product. Loss-of-function variants in SKIV2L are known to be pathogenic (PMID: 22444670). This variant is not present in population databases (gnomAD no frequency). This variant has not been reported in the literature in individuals affected with SKIV2L-related conditions. For these reasons, this variant has been classified as Pathogenic.

Literature cited by the submitters: PubMed 22444670.